The following is an entry in ClinVar:

ClinVar aggregate classification (germline): Uncertain significance (1 of 4 stars; one submission).

Submission:

GeneDx
Classification: Uncertain significance. Last evaluated: 2022-06-22. Review status: criteria provided, single submitter. Criteria: GeneDx Variant Classification Process June 2021. Collection method: clinical testing. Allele origin: germline. Affected: yes.
Comment: Not observed at significant frequency in large population cohorts (gnomAD); In silico analysis supports that this missense variant does not alter protein structure/function; Has not been previously published as pathogenic or benign to our knowledge

NM_000525.4(KCNJ11):c.317C>T (p.Thr106Ile)

Gene: KCNJ11 (potassium inwardly rectifying channel subfamily J member 11; minus strand). Cytogenetic location: 11p15.1.
Variant type: single nucleotide variant.
Coding change: c.317C>T on transcript NM_000525.4 (MANE Select); coding-DNA position 317, C replaced by T.
Protein change: p.Thr106Ile; replaces threonine 106 with isoleucine.
Molecular consequence: missense variant.
Genome position (GRCh38, 1-based): chr11:17,387,775, G>A on the plus strand (C>T on the coding strand, the complement: KCNJ11 is on the minus strand). VCF-style: chr11-17387775-G-A. GRCh37 (hg19) VCF-style: chr11-17409322-G-A.
Other names: c.56C>T, p.Thr19Ile (NM_001166290.2, NM_001377296.1, NM_001377297.1); short protein forms T106I, T19I.
Identifiers: ClinVar variation 1806530 (VCV001806530.1), dbSNP rs2496411257, ClinGen allele CA379774483.